The following is an entry in ClinVar:

ClinVar aggregate classification (germline): Conflicting classifications of pathogenicity. Review status: criteria provided, conflicting classifications (1 of 4 stars). 5 submissions from 5 submitters: Uncertain significance (1); Likely benign (3). 1 of the submissions does not count toward it. Last evaluated 2026-01-28.

Conditions:
PEX12-related disorder. Also called: PEX12-related condition; PEX12-related disorders.
Inborn genetic diseases. Identifiers: MedGen C0950123, MeSH D030342.
Peroxisome biogenesis disorder 3A (Zellweger). Also called: PEROXISOMAL BIOGENESIS DISORDER 3A (ZELLWEGER); Peroxisome biogenesis disorder 3A. Identifiers: Orphanet 912, MedGen C3553929, MONDO:0013927, OMIM 614859.

Allele frequency attached by ClinVar (database versions not stated): gnomAD exomes 0.00024; ExAC 0.00027; ESP Exome Variant Server 0.00077; 1000 Genomes Project 30x 0.00078; 1000 Genomes Project 0.00080; gnomAD 0.00107 and 0.00113; TOPMed 0.00108.

Submissions (5):

Labcorp Genetics (formerly Invitae), Labcorp
Classification: Likely benign for Peroxisome biogenesis disorder 3A (Zellweger). Last evaluated: 2026-01-28. Review status: criteria provided, single submitter. Criteria: Invitae Variant Classification Sherloc (09022015). Collection method: clinical testing. Allele origin: germline.

Blueprint Genetics
Classification: Likely benign. Last evaluated: 2024-03-05. Review status: criteria provided, single submitter. Criteria: ACMG Guidelines, 2015. Collection method: clinical testing. Allele origin: germline.

Ambry Genetics
Classification: Likely benign for Inborn genetic diseases. Last evaluated: 2022-12-19. Review status: criteria provided, single submitter. Criteria: Ambry Variant Classification Scheme 2023. Collection method: clinical testing. Allele origin: germline.

Eurofins Ntd Llc (ga)
Classification: Uncertain significance. Last evaluated: 2018-01-19. Review status: criteria provided, single submitter. Criteria: EGL Classification Definitions 2015. Collection method: clinical testing. Allele origin: germline. Observed: 11 variant alleles, 11 heterozygotes.

PreventionGenetics, part of Exact Sciences
Classification: Likely benign for PEX12-related condition. Last evaluated: 2022-02-16. Review status: no assertion criteria provided. Collection method: clinical testing. Allele origin: germline. Not counted in ClinVar's aggregate classification.
Comment: This variant is classified as likely benign based on ACMG/AMP sequence variant interpretation guidelines (Richards et al. 2015 PMID: 25741868, with internal and published modifications).

NM_000286.3(PEX12):c.452G>A (p.Arg151His)

Gene: PEX12 (peroxisomal biogenesis factor 12; minus strand). Cytogenetic location: 17q12.
Variant type: single nucleotide variant.
Coding change: c.452G>A on transcript NM_000286.3 (MANE Select); coding-DNA position 452, G replaced by A.
Protein change: p.Arg151His; replaces arginine 151 with histidine.
Molecular consequence: missense variant.
Genome position (GRCh38, 1-based): chr17:35,577,266, C>T on the plus strand (G>A on the coding strand, the complement: PEX12 is on the minus strand). VCF-style: chr17-35577266-C-T. GRCh37 (hg19) VCF-style: chr17-33904285-C-T.
Other names: short protein forms R151H.
Identifiers: ClinVar variation 285542 (VCV000285542.19), dbSNP rs150186509, ClinGen allele CA8504906.